The following is an entry in ClinVar:

NM_001035.3(RYR2):c.11479G>A (p.Glu3827Lys)

Gene: RYR2 (ryanodine receptor 2; plus strand). Cytogenetic location: 1q43.
Variant type: single nucleotide variant.
Coding change: c.11479G>A on transcript NM_001035.3 (MANE Select); coding-DNA position 11479, G replaced by A.
Protein change: p.Glu3827Lys; replaces glutamic acid 3827 with lysine.
Molecular consequence: missense variant.
Genome position (GRCh38, 1-based): chr1:237,770,809, G>A. VCF-style: chr1-237770809-G-A. GRCh37 (hg19) VCF-style: chr1-237934109-G-A.
Other names: short protein forms E3827K.
Identifiers: ClinVar variation 3075132 (VCV003075132.1), dbSNP rs2527596073, ClinGen allele CA345406576.

ClinVar aggregate classification (germline): Uncertain significance (1 of 4 stars; one submission).

Conditions:
Catecholaminergic polymorphic ventricular tachycardia (CVPT). Also called: Catecholamine-induced polymorphic ventricular tachycardia. Identifiers: Orphanet 3286, MedGen C5574922, MONDO:0017990.

Submission:

All of Us Research Program, National Institutes of Health
Classification: Uncertain significance for Catecholaminergic polymorphic ventricular tachycardia. Last evaluated: 2023-12-18. Review status: criteria provided, single submitter. Criteria: ACMG Guidelines, 2015. Collection method: clinical testing. Allele origin: germline. Inheritance: Autosomal dominant inheritance. Observed: 1 variant allele, 1 heterozygote.
Comment: This missense variant replaces glutamic acid with lysine at codon 3827 of the RYR2 protein. Computational prediction suggests that this variant may have deleterious impact on protein structure and function (internally defined REVEL score threshold >= 0.7, PMID: 27666373). To our knowledge, functional studies have not been reported for this variant. This variant has not been reported in individuals affected with RYR2-related disorders in the literature. This variant has not been identified in the general population by the Genome Aggregation Database (gnomAD). The available evidence is insufficient to determine the role of this variant in disease conclusively. Therefore, this variant is classified as a Variant of Uncertain Significance.

This study involves interpretation of variants in research participants for the purpose of population health screening. Participant phenotype was not available at the time of variant classification. Additional details can be found in publication PMID: 35346344, PMCID: PMC8962531